The following is an entry in ClinVar:

NM_024334.3(TMEM43):c.763C>T (p.Leu255=)

Gene: TMEM43 (transmembrane protein 43; plus strand). Cytogenetic location: 3p25.1.
Variant type: single nucleotide variant.
Coding change: c.763C>T on transcript NM_024334.3 (MANE Select); coding-DNA position 763, C replaced by T.
Protein change: p.Leu255=; no amino-acid change (leucine 255 retained).
Molecular consequence: synonymous variant.
Genome position (GRCh38, 1-based): chr3:14,135,215, C>T. VCF-style: chr3-14135215-C-T. GRCh37 (hg19) VCF-style: chr3-14176715-C-T.
Identifiers: ClinVar variation 666765 (VCV000666765.18), dbSNP rs761968722, ClinGen allele CA055267.

ClinVar aggregate classification (germline): Likely benign. Review status: criteria provided, multiple submitters, no conflicts (2 of 4 stars). 5 submissions from 5 submitters: Likely benign (5). Last evaluated 2026-01-12.

Conditions:
Cardiovascular phenotype. Identifiers: MedGen CN230736.
Cardiomyopathy (CMYO). Also called: Cardiomyopathies. Identifiers: Orphanet 167848, MedGen C0878544, MONDO:0004994, HP:0001638. Inheritance: Various modes of inheritance.
Arrhythmogenic right ventricular dysplasia 5. Also called: ARRHYTHMOGENIC RIGHT VENTRICULAR DYSPLASIA, FAMILIAL, 5; Arrhythmogenic Right Ventricular Dysplasia/Cardiomyopathy 5. Identifiers: MedGen C1858379, MONDO:0011459, OMIM 604400.

Allele frequency attached by ClinVar (database versions not stated): ExAC 0.00001; gnomAD 0.00001; gnomAD exomes 0.00002 and 0.00003; TOPMed 0.00002.
gnomAD v4.1: 42 of 1,612,366 alleles (0.0026%); highest among the groups gnomAD compares: Non-Finnish European, 0.0035%; no homozygotes.

Submissions (5):

Labcorp Genetics (formerly Invitae), Labcorp
Classification: Likely benign for Arrhythmogenic right ventricular dysplasia 5. Last evaluated: 2026-01-12. Review status: criteria provided, single submitter. Criteria: Invitae Variant Classification Sherloc (09022015). Collection method: clinical testing. Allele origin: germline.

All of Us Research Program, National Institutes of Health
Classification: Likely benign for Arrhythmogenic right ventricular dysplasia 5. Last evaluated: 2023-11-20. Review status: criteria provided, single submitter. Criteria: ACMG Guidelines, 2015. Collection method: clinical testing. Allele origin: germline. Inheritance: Autosomal dominant inheritance. Observed: 7 variant alleles, 7 heterozygotes.
Comment: This study involves interpretation of variants in research participants for the purpose of population health screening. Participant phenotype was not available at the time of variant classification. Additional details can be found in publication PMID: 35346344, PMCID: PMC8962531

Color Diagnostics, LLC DBA Color Health
Classification: Likely benign for Cardiomyopathy. Last evaluated: 2020-02-04. Review status: criteria provided, single submitter. Criteria: ACMG Guidelines, 2015. Collection method: clinical testing. Allele origin: germline.

Ambry Genetics
Classification: Likely benign for Cardiovascular phenotype. Last evaluated: 2019-09-06. Review status: criteria provided, single submitter. Criteria: Ambry Variant Classification Scheme 2023. Collection method: clinical testing. Allele origin: germline.

Laboratory for Molecular Medicine, Mass General Brigham Personalized Medicine
Classification: Likely benign. Last evaluated: 2018-08-29. Review status: criteria provided, single submitter. Criteria: LMM Criteria. Collection method: clinical testing. Allele origin: germline. Observed: 1 variant allele.
Comment: The p.Leu255Leu variant in TMEM43 is classified as likely benign because it does not alter an amino acid residue, it is not located within the splice consensus sequence, and splice prediction algorithms do not predict a newly created splice site. ACMG/AMP Criteria applied: BP4, BP7, PM2.